The following is an entry in ClinVar:

NM_020458.4(TTC7A):c.267G>A (p.Met89Ile)

Gene: TTC7A (tetratricopeptide repeat domain 7A; plus strand). Cytogenetic location: 2p21.
Variant type: single nucleotide variant.
Coding change: c.267G>A on transcript NM_020458.4 (MANE Select); coding-DNA position 267, G replaced by A.
Protein change: p.Met89Ile; replaces methionine 89 with isoleucine.
Molecular consequence: missense variant. On other transcripts: 5 prime UTR variant (1).
Genome position (GRCh38, 1-based): chr2:46,950,445, G>A. VCF-style: chr2-46950445-G-A. GRCh37 (hg19) VCF-style: chr2-47177584-G-A.
Other names: c.267G>A, p.Met89Ile (NM_001288951.2); c.165G>A, p.Met55Ile (NM_001288953.2); c.-638G>A (NM_001288955.2); short protein forms M89I, M55I.
Identifiers: ClinVar variation 3720099 (VCV003720099.2).

ClinVar aggregate classification (germline): Uncertain significance (1 of 4 stars; one submission).

Conditions:
Multiple gastrointestinal atresias. Also called: FAMILIAL INTESTINAL POLYATRESIA SYNDROME; Multiple intestinal atresia. Identifiers: Orphanet 2300, MedGen C0220744, MONDO:0009465.

Submission:

Labcorp Genetics (formerly Invitae), Labcorp
Classification: Uncertain significance for Multiple gastrointestinal atresias. Last evaluated: 2024-10-03. Review status: criteria provided, single submitter. Criteria: Invitae Variant Classification Sherloc (09022015). Collection method: clinical testing. Allele origin: germline.
Comment: This sequence change replaces methionine, which is neutral and non-polar, with isoleucine, which is neutral and non-polar, at codon 89 of the TTC7A protein (p.Met89Ile). This variant is not present in population databases (gnomAD no frequency). This variant has not been reported in the literature in individuals affected with TTC7A-related conditions. An algorithm developed to predict the effect of missense changes on protein structure and function outputs the following: PolyPhen-2: "Benign". The isoleucine amino acid residue is found in multiple mammalian species, which suggests that this missense change does not adversely affect protein function. In summary, the available evidence is currently insufficient to determine the role of this variant in disease. Therefore, it has been classified as a Variant of Uncertain Significance.